The following is an entry in ClinVar:

ClinVar aggregate classification (germline): Uncertain significance (1 of 4 stars; one submission).

gnomAD v4.1: 2 of 1,613,214 alleles (0.00012%); highest among the groups gnomAD compares: Non-Finnish European, 0.00017%; no homozygotes.

Submission:

GeneDx
Classification: Uncertain significance. Last evaluated: 2023-12-04. Review status: criteria provided, single submitter. Criteria: GeneDx Variant Classification Process June 2021. Collection method: clinical testing. Allele origin: germline. Affected: yes.
Comment: Not observed at significant frequency in large population cohorts (gnomAD); In silico analysis supports that this missense variant has a deleterious effect on protein structure/function; Has not been previously published as pathogenic or benign to our knowledge

NM_018051.5(DYNC2I1):c.2899C>T (p.Pro967Ser)

Gene: DYNC2I1 (dynein 2 intermediate chain 1; plus strand). Cytogenetic location: 7q36.3.
Variant type: single nucleotide variant.
Coding change: c.2899C>T on transcript NM_018051.5 (MANE Select); coding-DNA position 2899, C replaced by T.
Protein change: p.Pro967Ser; replaces proline 967 with serine.
Molecular consequence: missense variant.
Genome position (GRCh38, 1-based): chr7:158,942,045, C>T. VCF-style: chr7-158942045-C-T. GRCh37 (hg19) VCF-style: chr7-158734736-C-T.
Other names: c.2761C>T, p.Pro921Ser (NM_001350914.2); c.2326C>T, p.Pro776Ser (NM_001350915.2); c.1438C>T, p.Pro480Ser (NM_001350916.2); c.1651C>T, p.Pro551Ser (NM_001350917.2, NM_001350918.2); short protein forms P480S, P551S, P776S, P921S, P967S.
Identifiers: ClinVar variation 3365152 (VCV003365152.1).